The following is an entry in ClinVar:

NM_002361.4(MAG):c.1687C>T (p.Arg563Cys)

Gene: MAG (myelin associated glycoprotein; plus strand). Cytogenetic location: 19q13.12.
Variant type: single nucleotide variant.
Coding change: c.1687C>T on transcript NM_002361.4 (MANE Select); coding-DNA position 1687, C replaced by T.
Protein change: p.Arg563Cys; replaces arginine 563 with cysteine.
Molecular consequence: missense variant.
Genome position (GRCh38, 1-based): chr19:35,311,988, C>T. VCF-style: chr19-35311988-C-T. GRCh37 (hg19) VCF-style: chr19-35802891-C-T.
Other names: c.1612C>T, p.Arg538Cys (NM_001199216.2); c.1687C>T, p.Arg563Cys (NM_080600.3); c.1687C>T (NM_002361.3); short protein forms R538C, R563C.
Identifiers: ClinVar variation 1989848 (VCV001989848.2), dbSNP rs780410053, ClinGen allele CA9376361.

ClinVar aggregate classification (germline): Uncertain significance. Review status: criteria provided, multiple submitters, no conflicts (2 of 4 stars). 2 submissions from 2 submitters: Uncertain significance (2). Last evaluated 2024-11-12.

Conditions:
Inborn genetic diseases. Identifiers: MedGen C0950123, MeSH D030342.
Hereditary spastic paraplegia 75. Also called: Spastic paraplegia 75, autosomal recessive. Identifiers: Orphanet 459056, MedGen C4225250, MONDO:0014729, OMIM 616680.

Allele frequency attached by ClinVar (database versions not stated): gnomAD 0.00001; gnomAD exomes 0.00001; ExAC 0.00003; TOPMed 0.00003.
gnomAD v4.1: 18 of 1,612,908 alleles (0.0011%); highest among the groups gnomAD compares: Middle Eastern, 0.016%; no homozygotes.

Submissions (2):

Ambry Genetics
Classification: Uncertain significance for Inborn genetic diseases. Last evaluated: 2024-11-12. Review status: criteria provided, single submitter. Criteria: Ambry Variant Classification Scheme 2023. Collection method: clinical testing. Allele origin: germline.

Labcorp Genetics (formerly Invitae), Labcorp
Classification: Uncertain significance for Hereditary spastic paraplegia 75. Last evaluated: 2022-06-25. Review status: criteria provided, single submitter. Criteria: Invitae Variant Classification Sherloc (09022015). Collection method: clinical testing. Allele origin: germline.
Comment: This sequence change replaces arginine, which is basic and polar, with cysteine, which is neutral and slightly polar, at codon 563 of the MAG protein (p.Arg563Cys). This variant is present in population databases (rs780410053, gnomAD 0.01%). This variant has not been reported in the literature in individuals affected with MAG-related conditions. Algorithms developed to predict the effect of missense changes on protein structure and function are either unavailable or do not agree on the potential impact of this missense change (SIFT: "Deleterious"; PolyPhen-2: "Benign"; Align-GVGD: "Class C0"). In summary, the available evidence is currently insufficient to determine the role of this variant in disease. Therefore, it has been classified as a Variant of Uncertain Significance.